The following is an entry in ClinVar:

ClinVar aggregate classification (germline): Conflicting classifications of pathogenicity. Review status: criteria provided, conflicting classifications (1 of 4 stars). 5 submissions from 5 submitters: Uncertain significance (3); Likely benign (2). Last evaluated 2025-04-09.

Conditions:
Hereditary spastic paraplegia 48. Also called: SPASTIC PARAPLEGIA 48, AUTOSOMAL RECESSIVE; Spastic paraplegia 48. Identifiers: Orphanet 306511, MedGen C3150901, MONDO:0013342, OMIM 613647.
Inborn genetic diseases. Identifiers: MedGen C0950123, MeSH D030342.

Allele frequency attached by ClinVar (database versions not stated): gnomAD 0.00001 and 0.00007; TOPMed 0.00004; gnomAD exomes 0.00019; ExAC 0.00044; 1000 Genomes Project 30x 0.00078; 1000 Genomes Project 0.00080.
gnomAD v4.1: 172 of 1,574,282 alleles (0.011%); highest among the groups gnomAD compares: South Asian, 0.17%; 1 homozygote.

Submissions (5):

Mayo Clinic Laboratories, Mayo Clinic
Classification: Likely benign. Last evaluated: 2025-04-09. Review status: criteria provided, single submitter. Criteria: ACMG Guidelines, 2015. Collection method: clinical testing. Allele origin: germline. Observed: 2 variant alleles.
Comment: BS1, BP4_moderate

Labcorp Genetics (formerly Invitae), Labcorp
Classification: Uncertain significance for Hereditary spastic paraplegia 48. Last evaluated: 2024-12-02. Review status: criteria provided, single submitter. Criteria: Invitae Variant Classification Sherloc (09022015). Collection method: clinical testing. Allele origin: germline.
Comment: This sequence change replaces arginine, which is basic and polar, with cysteine, which is neutral and slightly polar, at codon 358 of the AP5Z1 protein (p.Arg358Cys). This variant is present in population databases (rs551568063, gnomAD 0.1%). This variant has not been reported in the literature in individuals affected with AP5Z1-related conditions. ClinVar contains an entry for this variant (Variation ID: 638840). Invitae Evidence Modeling of protein sequence and biophysical properties (such as structural, functional, and spatial information, amino acid conservation, physicochemical variation, residue mobility, and thermodynamic stability) indicates that this missense variant is not expected to disrupt AP5Z1 protein function with a negative predictive value of 80%. In summary, the available evidence is currently insufficient to determine the role of this variant in disease. Therefore, it has been classified as a Variant of Uncertain Significance.

Ambry Genetics
Classification: Likely benign for Inborn genetic diseases. Last evaluated: 2023-06-29. Review status: criteria provided, single submitter. Criteria: Ambry Variant Classification Scheme 2023. Collection method: clinical testing. Allele origin: germline.

Neuberg Centre For Genomic Medicine, NCGM
Classification: Uncertain significance for Hereditary spastic paraplegia 48. Last evaluated: 2023-05-20. Review status: criteria provided, single submitter. Criteria: ACMG Guidelines, 2015. Collection method: clinical testing. Allele origin: germline. Inheritance: Autosomal recessive inheritance. Affected: yes.
Comment: The observed missense variant c.1072C>T(p.Arg358Cys) in the AP5Z1 gene has not been reported previously as a pathogenic variant nor as a benign variant, to our knowledge. This variant is reported with the allele frequency 0.02% in the gnomAD Exomes. This variant has been reported to the ClinVar database as Uncertain Significance. However study of the variant in multiple affected individuals and its functional impact on the protein is required to determine the pathogenicity of the variant. The amino acid Arginine at position 358 is changed to a Cysteine changing protein sequence and it might alter its composition and physico-chemical properties. Multiple lines of computational evidence (Polyphen - Benign, SIFT - Tolerated and MutationTaster - Polymorphism) predict no damaging effect on protein structure and function for this variant. The residue is conserved by GERP++ and PhyloP across 100 vertebrates. For these reasons, this variant has been classified as Uncertain Significance.

Illumina Laboratory Services, Illumina
Classification: Uncertain significance for Hereditary spastic paraplegia 48. Last evaluated: 2018-01-12. Review status: criteria provided, single submitter. Criteria: ICSL Variant Classification Criteria 13 December 2019. Collection method: clinical testing. Allele origin: germline.

NM_014855.3(AP5Z1):c.1072C>T (p.Arg358Cys)

Gene: AP5Z1 (adaptor related protein complex 5 subunit zeta 1; plus strand). Cytogenetic location: 7p22.1.
Variant type: single nucleotide variant.
Coding change: c.1072C>T on transcript NM_014855.3 (MANE Select); coding-DNA position 1072, C replaced by T.
Protein change: p.Arg358Cys; replaces arginine 358 with cysteine.
Molecular consequence: missense variant. On other transcripts: non-coding transcript variant (1).
Genome position (GRCh38, 1-based): chr7:4,785,624, C>T. VCF-style: chr7-4785624-C-T. GRCh37 (hg19) VCF-style: chr7-4825255-C-T.
Other names: p.Arg358Cys; c.1072C>T, p.Arg358Cys (LRG_1247t1); c.604C>T, p.Arg202Cys (NM_001364858.1); short protein forms R358C, R202C.
Identifiers: ClinVar variation 638840 (VCV000638840.18), dbSNP rs551568063, ClinGen allele CA4137587.